The following is an entry in ClinVar:

ClinVar aggregate classification (germline): Conflicting classifications of pathogenicity. Review status: criteria provided, conflicting classifications (1 of 4 stars). 4 submissions from 4 submitters: Uncertain significance (2); Likely benign (1). 1 of the submissions does not count toward it. Last evaluated 2024-09-11.

Conditions:
Hereditary cancer-predisposing syndrome. Also called: Neoplastic Syndromes, Hereditary; Tumor predisposition; Hereditary Cancer Syndrome; Hereditary neoplastic syndrome. Identifiers: Orphanet 140162, MedGen C0027672, MeSH D009386, MONDO:0015356.
Familial cancer of breast. Also called: BREAST CANCER, FAMILIAL; Hereditary breast cancer; hereditary breast carcinoma. Identifiers: Orphanet 227535, MedGen C0346153, MONDO:0016419, OMIM 114480. Disease mechanism: loss of function.
Hereditary breast ovarian cancer syndrome. Also called: Hereditary breast and ovarian cancer syndrome; Hereditary breast and ovarian cancer; Hereditary breast and ovarian cancer syndrome (HBOC); Breast and ovarian cancer; Hereditary breast and/or ovarian cancer syndrome; BRCA1- and BRCA2-Associated Hereditary Breast and Ovarian Cancer. Identifiers: Orphanet 145, MedGen C0677776, MeSH D061325, MONDO:0003582. Disease mechanism: loss of function.

Allele frequency attached by ClinVar (database versions not stated): gnomAD exomes below 0.00001.

Submissions (4):

Ambry Genetics
Classification: Uncertain significance for Hereditary cancer-predisposing syndrome. Last evaluated: 2024-09-11. Review status: criteria provided, single submitter. Criteria: Ambry Variant Classification Scheme 2023. Collection method: clinical testing. Allele origin: germline.
Comment: The p.P359L variant (also known as c.1076C>T), located in coding exon 9 of the BRCA1 gene, results from a C to T substitution at nucleotide position 1076. The proline at codon 359 is replaced by leucine, an amino acid with similar properties. This alteration has been identified in multiple individuals diagnosed with breast cancer (Kim YC et al. PLoS One, 2017 Jan;12:e0167581; Yao L et al. J Hum Genet, 2022 Nov;67:639-642). This amino acid position is not well conserved in available vertebrate species. In addition, the in silico prediction for this alteration is inconclusive. Based on the available evidence, the clinical significance of this variant remains unclear.

Labcorp Genetics (formerly Invitae), Labcorp
Classification: Uncertain significance for Hereditary breast ovarian cancer syndrome. Last evaluated: 2024-04-22. Review status: criteria provided, single submitter. Criteria: Invitae Variant Classification Sherloc (09022015). Collection method: clinical testing. Allele origin: germline.
Comment: This sequence change replaces proline, which is neutral and non-polar, with leucine, which is neutral and non-polar, at codon 359 of the BRCA1 protein (p.Pro359Leu). This variant is not present in population databases (gnomAD no frequency). This missense change has been observed in individual(s) with breast cancer (PMID: 15059511). ClinVar contains an entry for this variant (Variation ID: 54118). Advanced modeling of protein sequence and biophysical properties (such as structural, functional, and spatial information, amino acid conservation, physicochemical variation, residue mobility, and thermodynamic stability) performed at Invitae indicates that this missense variant is not expected to disrupt BRCA1 protein function with a negative predictive value of 95%. In summary, the available evidence is currently insufficient to determine the role of this variant in disease. Therefore, it has been classified as a Variant of Uncertain Significance.

University of Washington Department of Laboratory Medicine, University of Washington
Classification: Likely benign for Hereditary cancer-predisposing syndrome. Last evaluated: 2023-03-23. Review status: criteria provided, single submitter. Criteria: Dines et al. (Genet Med. 2020). Collection method: curation. Allele origin: germline.
Comment: Missense variant in a coldspot region where missense variants are very unlikely to be pathogenic (PMID:31911673).

BRCA1 coldspot (exon 11 using historical exon numbering). Reclassification based on statistical prior probability

ClinVar Staff, National Center for Biotechnology Information (NCBI)
No classification provided. Condition: Familial cancer of breast. Review status: no classification provided. Collection method: literature only. Allele origin: germline. Affected: yes. Not counted in ClinVar's aggregate classification.

Literature cited by the submitters: PubMed 28076423 (cited by Ambry Genetics); PubMed 35864222 (cited by Ambry Genetics); PubMed 15059511 (cited by Labcorp Genetics (formerly Invitae), Labcorp and ClinVar Staff, National Center for Biotechnology Information (NCBI)).

NM_007294.4(BRCA1):c.1076C>T (p.Pro359Leu)

Gene: BRCA1 (BRCA1 DNA repair associated; minus strand). Cytogenetic location: 17q21.31.
Variant type: single nucleotide variant.
Coding change: c.1076C>T on transcript NM_007294.4 (MANE Select); coding-DNA position 1076, C replaced by T.
Protein change: p.Pro359Leu; replaces proline 359 with leucine.
Molecular consequence: missense variant. On other transcripts: intron variant (137).
Genome position (GRCh38, 1-based): chr17:43,094,455, G>A on the plus strand (C>T on the coding strand, the complement: BRCA1 is on the minus strand). VCF-style: chr17-43094455-G-A. GRCh37 (hg19) VCF-style: chr17-41246472-G-A.
Other names: c.709+289C>T (NM_001408415.1, NM_001408412.1, NM_001408409.1 and 2 more transcripts); c.577+289C>T (NM_001408483.1, NM_001408481.1, NM_001408480.1 and 9 more transcripts); c.664+289C>T (NM_001408442.1, NM_001408426.1, NM_001408436.1 and 12 more transcripts); c.787+289C>T (NM_001407982.1, NM_001407970.1, NM_001407980.1 and 19 more transcripts); c.863C>T, p.Pro288Leu (NM_001407571.1, NM_001407853.1, NM_001407894.1 and 9 more transcripts); c.1076C>T, p.Pro359Leu (NM_001407581.1, NM_001407582.1, NM_001407583.1 and 30 more transcripts); c.1073C>T, p.Pro358Leu (NM_001407587.1, NM_001407590.1, NM_001407591.1 and 22 more transcripts); c.1067C>T, p.Pro356Leu (NM_001407646.1, NM_001407647.1); and 40 more; short protein forms P359L, P312L, P231L, P247L, P311L, P317L, P332L, P333L.
Identifiers: ClinVar variation 54118 (VCV000054118.14), dbSNP rs397508831, ClinGen allele CA000719.
Genomic context (GRCh38, chr17:43,094,455, plus strand): 5'-ATGCTGCTATTTAGTGTTATCCAAGGAACATCTTCAGTATCTCTAGGATTCTCTGAGCAT[G>A]GCAGTTTCTGCTTATTCCATTCTTTTCTCTCACACAGGGGATCAGCATTCAGATCTACCT-3'
Protein context (NP_009225.1, residues 349-369): ERKEWNKQKL[Pro359Leu]CSENPRDTED